The following is an entry in ClinVar:

NM_024408.4(NOTCH2):c.6358G>C (p.Ala2120Pro)

Gene: NOTCH2 (notch receptor 2; minus strand). Cytogenetic location: 1p12.
Variant type: single nucleotide variant.
Coding change: c.6358G>C on transcript NM_024408.4 (MANE Select); coding-DNA position 6358, G replaced by C.
Protein change: p.Ala2120Pro; replaces alanine 2120 with proline.
Molecular consequence: missense variant.
Genome position (GRCh38, 1-based): chr1:119,916,364, C>G on the plus strand (G>C on the coding strand, the complement: NOTCH2 is on the minus strand). VCF-style: chr1-119916364-C-G. GRCh37 (hg19) VCF-style: chr1-120458987-C-G.
Other names: short protein forms A2120P.
Identifiers: ClinVar variation 3368257 (VCV003368257.1).
Genomic context (GRCh38, chr1:119,916,364, plus strand): 5'-GGACCTTCTCACTCAGAGACTTCTTCCTCCTACTACCCTTGGCATCCTTTGCCTCCTTGG[C>G]AAGGTTAGGGAGGCTAGTAGGCATGGTACTCTTGGCACTGGGCCGTCTAGACTTCTTGCC-3'
Protein context (NP_077719.2, residues 2110-2130): STMPTSLPNL[Ala2120Pro]KEAKDAKGSR

ClinVar aggregate classification (germline): Uncertain significance (1 of 4 stars; one submission).

Submission:

GeneDx
Classification: Uncertain significance. Last evaluated: 2024-01-26. Review status: criteria provided, single submitter. Criteria: GeneDx Variant Classification Process June 2021. Collection method: clinical testing. Allele origin: germline. Affected: yes.
Comment: Not observed at significant frequency in large population cohorts (gnomAD); In silico analysis supports that this missense variant does not alter protein structure/function; Has not been previously published as pathogenic or benign to our knowledge